The following is an entry in ClinVar:

NM_015450.3(POT1):c.1142_1144del (p.His381_Cys382delinsArg)

Gene: POT1 (protection of telomeres 1; minus strand). Cytogenetic location: 7q31.33.
Variant type: Deletion.
Coding change: c.1142_1144del on transcript NM_015450.3 (MANE Select); coding-DNA positions 1142 to 1144, 3 bases deleted (ATT; older notation c.1142_1144delATT).
Protein change: p.His381_Cys382delinsArg.
Molecular consequence: inframe indel. On other transcripts: non-coding transcript variant (3).
Genome position (GRCh38, 1-based): chr7:124,842,826-124,842,828, AAT deleted on the plus strand (ATT on the coding strand, the reverse complement: POT1 is on the minus strand). VCF-style (leftmost placement, unchanged base first): chr7-124842825-CAAT-C. GRCh37 (hg19) VCF-style: chr7-124482879-CAAT-C.
Other names: c.749_751del, p.His250_Cys251delinsArg (NM_001042594.2).
Identifiers: ClinVar variation 3423114 (VCV003423114.1).

ClinVar aggregate classification (germline): Uncertain significance (1 of 4 stars; one submission).

Conditions:
Hereditary cancer-predisposing syndrome. Also called: Neoplastic Syndromes, Hereditary; Tumor predisposition; Hereditary Cancer Syndrome; Hereditary neoplastic syndrome. Identifiers: Orphanet 140162, MedGen C0027672, MeSH D009386, MONDO:0015356.

Submission:

Ambry Genetics
Classification: Uncertain significance for Hereditary cancer-predisposing syndrome. Last evaluated: 2024-08-22. Review status: criteria provided, single submitter. Criteria: Ambry Variant Classification Scheme 2023. Collection method: clinical testing. Allele origin: germline.
Comment: The c.1142_1144delATT variant (also known as p.H381_C382delinsR), located in coding exon 9 of the POT1 gene, results from an in-frame deletion of ATT at nucleotide positions 1142 to 1144. This results in the substitution of an arginine residue for a histidine and cysteine at codons 381 and 382. This amino acid region is highly conserved in primates. In addition, this alteration is predicted to be deleterious by in silico analysis (Choi Y et al. PLoS ONE. 2012; 7(10):e46688). Since supporting evidence is limited at this time, the clinical significance of this alteration remains unclear.